The following is an entry in ClinVar:

NM_153676.4(USH1C):c.266G>A (p.Arg89His)

Gene: USH1C (USH1 protein network component harmonin; minus strand). Cytogenetic location: 11p15.1.
Variant type: single nucleotide variant.
Coding change: c.266G>A on transcript NM_153676.4 (MANE Select); coding-DNA position 266, G replaced by A.
Protein change: p.Arg89His; replaces arginine 89 with histidine.
Molecular consequence: missense variant. On other transcripts: non-coding transcript variant (1).
Genome position (GRCh38, 1-based): chr11:17,531,275, C>T on the plus strand (G>A on the coding strand, the complement: USH1C is on the minus strand). VCF-style: chr11-17531275-C-T. GRCh37 (hg19) VCF-style: chr11-17552822-C-T.
Other names: c.266G>A, p.Arg89His (NM_001297764.2, NM_005709.4); short protein forms R89H.
Identifiers: ClinVar variation 553785 (VCV000553785.13), dbSNP rs749647539, ClinGen allele CA5905110.
Genomic context (GRCh38, chr11:17,531,275, plus strand): 5'-CCAAACTCCAGGCCACCACGCACACTCAGGCCGAGGCCTTCGGGGTGCAGACGGTCCAGA[C>T]GCACCTCCTTCAGCTTCCTGCCACACAGGAGAGGTCGGTGATGGTGCAGCTTGGCTGCCA-3'
Protein context (NP_710142.1, residues 79-99): PRRSRKLKEV[Arg89His]LDRLHPEGLG

ClinVar aggregate classification (germline): Uncertain significance. Review status: criteria provided, multiple submitters, no conflicts (2 of 4 stars). 6 submissions from 6 submitters: Uncertain significance (4). 2 of the submissions do not count toward it. Last evaluated 2025-07-22.

Conditions:
Usher syndrome type 1C. Also called: USHER SYNDROME, TYPE I, ACADIAN VARIETY. Identifiers: Orphanet 231169, Orphanet 886, MedGen C1848604, MONDO:0010171, OMIM 276904.
Autosomal recessive nonsyndromic hearing loss 18A. Also called: DEAFNESS, AUTOSOMAL RECESSIVE 18; Deafness, autosomal recessive 18A. Identifiers: Orphanet 90636, MedGen C1865870, MONDO:0011192, OMIM 602092.

Allele frequency attached by ClinVar (database versions not stated): ExAC 0.00001; gnomAD exomes 0.00001; TOPMed 0.00001; gnomAD 0.00002.
gnomAD v4.1: 16 of 1,614,022 alleles (0.00099%); highest among the groups gnomAD compares: South Asian, 0.0033%; no homozygotes.

Submissions (6):

GeneDx
Classification: Uncertain significance. Last evaluated: 2025-07-22. Review status: criteria provided, single submitter. Criteria: GeneDx Variant Classification Process June 2021. Collection method: clinical testing. Allele origin: germline. Affected: yes.
Comment: Observed in the heterozygous state in two siblings with hearing loss in published literature (PMID: 24416283); Not observed at significant frequency in large population cohorts (gnomAD); In silico analysis supports that this missense variant has a deleterious effect on protein structure/function; This variant is associated with the following publications: (PMID: 24416283)

Blueprint Genetics
Classification: Uncertain significance. Last evaluated: 2024-10-04. Review status: criteria provided, single submitter. Criteria: ACMG Guidelines, 2015. Collection method: clinical testing. Allele origin: germline.

Labcorp Genetics (formerly Invitae), Labcorp
Classification: Uncertain significance. Last evaluated: 2022-08-23. Review status: criteria provided, single submitter. Criteria: Invitae Variant Classification Sherloc (09022015). Collection method: clinical testing. Allele origin: germline.
Comment: This sequence change replaces arginine, which is basic and polar, with histidine, which is basic and polar, at codon 89 of the USH1C protein (p.Arg89His). This variant is present in population databases (rs749647539, gnomAD 0.006%). This missense change has been observed in individual(s) with USH1C-related conditions (PMID: 24416283). It has also been observed to segregate with disease in related individuals. ClinVar contains an entry for this variant (Variation ID: 553785). Algorithms developed to predict the effect of missense changes on protein structure and function are either unavailable or do not agree on the potential impact of this missense change (SIFT: "Deleterious"; PolyPhen-2: "Possibly Damaging"; Align-GVGD: "Class C0"). In summary, the available evidence is currently insufficient to determine the role of this variant in disease. Therefore, it has been classified as a Variant of Uncertain Significance.

Women's Health and Genetics/Laboratory Corporation of America, LabCorp
Classification: Uncertain significance. Last evaluated: 2021-09-23. Review status: criteria provided, single submitter. Criteria: LabCorp Variant Classification Summary - May 2015. Collection method: clinical testing. Allele origin: germline.
Comment: Variant summary: USH1C c.266G>A (p.Arg89His) results in a non-conservative amino acid change in the encoded protein sequence. Three of four in-silico tools predict a damaging effect of the variant on protein function. The variant allele was found at a frequency of 1.2e-05 in 251052 control chromosomes. c.266G>A has been reported in the literature as a compound heterozygous genotype in at-least one family with two affected individuals affected with recessive, prelingual, severe to profound non syndromic hearing loss (NSHL) (example, Ganapathy_2014). These data indicate that the variant may be associated with disease. To our knowledge, no experimental evidence demonstrating an impact on protein function has been reported. Three clinical diagnostic laboratories have submitted clinical-significance assessments for this variant to ClinVar after 2014 without evidence for independent evaluation. All laboratories classified the variant as uncertain significance. Based on the evidence outlined above, the variant was classified as VUS-possibly pathogenic.

Natera, Inc.
Classification: Uncertain significance for Usher syndrome type 1C. Last evaluated: 2020-09-16. Review status: no assertion criteria provided. Collection method: clinical testing. Allele origin: germline. Not counted in ClinVar's aggregate classification.

Counsyl
Classification: Uncertain significance for Usher syndrome type 1C; Autosomal recessive nonsyndromic hearing loss 18A. Last evaluated: 2017-11-14. Review status: no assertion criteria provided. Collection method: clinical testing. Allele origin: unknown. Not counted in ClinVar's aggregate classification.

Literature cited by the submitters: PubMed 24416283 (cited by 3 submitters).